The following is an entry in ClinVar:

NM_005515.4(MNX1):c.504GGC[6] (p.Ala174dup)

Genes: MNX1 (motor neuron and pancreas homeobox 1; minus strand), LOC129999735 (ATAC-STARR-seq lymphoblastoid silent region 18857; plus strand). Cytogenetic location: 7q36.3.
Variant type: Microsatellite.
Coding change: c.504GGC[6] on transcript NM_005515.4 (MANE Select); six copies in a row of the 3-base unit GGC starting at c.504; the reference has five copies in a row; one copy, 3 bases duplicated; also written c.516_518dup.
Protein change: p.Ala174dup; duplicates alanine 174.
Molecular consequence: inframe insertion.
Genome position (GRCh38, 1-based): chr7:157,009,833-157,009,835, GCC duplicated on the plus strand (GGC on the coding strand, the reverse complement: MNX1 is on the minus strand); duplicating any 3 consecutive bases within chr7:157,009,833-157,009,849 gives the same sequence; the position shown is the placement nearest the transcript's 3' end. VCF-style (leftmost placement, unchanged base first): chr7-157009832-A-AGCC. GRCh37 (hg19) VCF-style: chr7-156802526-A-AGCC.
Other names: c.516_518dup (NM_005515.4).
Identifiers: ClinVar variation 1435404 (VCV001435404.10), dbSNP rs748208450, ClinGen allele CA4589284.
Genomic context (GRCh38, chr7:157,009,832, plus strand): 5'-GTGCGCGCCTTGCACCTGCGGGTACGAGTAGGAGAGCGCCGGGTGCTGGCCCGCCAGCGC[A>AGCC]GCCGCCGCCGCCGCCGCGGAGTAGCCGTAGACCGGGTGGCCGTAGAGCGCCGCCTGCGCC-3'

ClinVar aggregate classification (germline): Conflicting classifications of pathogenicity. Review status: criteria provided, conflicting classifications (1 of 4 stars). 3 submissions from 3 submitters: Uncertain significance (2); Likely benign (1). Last evaluated 2025-07-08.

Conditions:
Currarino triad. Identifiers: Orphanet 1552, MedGen C1531773, MONDO:0008305, OMIM 176450.

Submissions (3):

Labcorp Genetics (formerly Invitae), Labcorp
Classification: Uncertain significance. Last evaluated: 2025-07-08. Review status: criteria provided, single submitter. Criteria: Invitae Variant Classification Sherloc (09022015). Collection method: clinical testing. Allele origin: germline.
Comment: This variant, c.516_518dup, results in the insertion of 1 amino acid(s) of the MNX1 protein (p.Ala174dup), but otherwise preserves the integrity of the reading frame. This variant is present in population databases (rs779099514, gnomAD 0.02%). This variant has not been reported in the literature in individuals affected with MNX1-related conditions. Experimental studies and prediction algorithms are not available or were not evaluated, and the functional significance of this variant is currently unknown. In summary, the available evidence is currently insufficient to determine the role of this variant in disease. Therefore, it has been classified as a Variant of Uncertain Significance.

Blueprint Genetics
Classification: Likely benign. Last evaluated: 2024-11-25. Review status: criteria provided, single submitter. Criteria: ACMG Guidelines, 2015. Collection method: clinical testing. Allele origin: germline.

Fulgent Genetics
Classification: Uncertain significance for Currarino triad. Last evaluated: 2022-05-05. Review status: criteria provided, single submitter. Criteria: ACMG Guidelines, 2015. Collection method: clinical testing. Allele origin: unknown.